The following is an entry in ClinVar:

NM_000057.4(BLM):c.617C>T (p.Thr206Ile)

Gene: BLM (BLM RecQ like helicase; plus strand). Cytogenetic location: 15q26.1.
Variant type: single nucleotide variant.
Coding change: c.617C>T on transcript NM_000057.4 (MANE Select); coding-DNA position 617, C replaced by T.
Protein change: p.Thr206Ile; replaces threonine 206 with isoleucine.
Molecular consequence: missense variant. On other transcripts: 5 prime UTR variant (1).
Genome position (GRCh38, 1-based): chr15:90,749,885, C>T. VCF-style: chr15-90749885-C-T. GRCh37 (hg19) VCF-style: chr15-91293115-C-T.
Other names: c.617C>T, p.Thr206Ile (NM_001287246.2, NM_001287247.2); c.-675C>T (NM_001287248.2); short protein forms T206I.
Identifiers: ClinVar variation 1990766 (VCV001990766.1), dbSNP rs932261711, ClinGen allele CA393841182.

ClinVar aggregate classification (germline): Uncertain significance (1 of 4 stars; one submission).

Conditions:
Bloom syndrome (BLM). Also called: Bloom-Torre-Machacek syndrome. Identifiers: Orphanet 125, MedGen C0005859, MONDO:0008876, OMIM 210900.

Submission:

Labcorp Genetics (formerly Invitae), Labcorp
Classification: Uncertain significance for Bloom syndrome. Last evaluated: 2022-09-27. Review status: criteria provided, single submitter. Criteria: Invitae Variant Classification Sherloc (09022015). Collection method: clinical testing. Allele origin: germline.
Comment: This sequence change replaces threonine, which is neutral and polar, with isoleucine, which is neutral and non-polar, at codon 206 of the BLM protein (p.Thr206Ile). This variant is not present in population databases (gnomAD no frequency). This variant has not been reported in the literature in individuals affected with BLM-related conditions. Algorithms developed to predict the effect of missense changes on protein structure and function output the following: SIFT: "Tolerated"; PolyPhen-2: "Benign"; Align-GVGD: "Class C0". The isoleucine amino acid residue is found in multiple mammalian species, which suggests that this missense change does not adversely affect protein function. In summary, the available evidence is currently insufficient to determine the role of this variant in disease. Therefore, it has been classified as a Variant of Uncertain Significance.